The following is an entry in ClinVar:

NM_006236.3(POU3F3):c.87T>C (p.Ala29=)

Gene: POU3F3 (POU class 3 homeobox 3; plus strand). Cytogenetic location: 2q12.1.
Variant type: single nucleotide variant.
Coding change: c.87T>C on transcript NM_006236.3 (MANE Select); coding-DNA position 87, T replaced by C.
Protein change: p.Ala29=; no amino-acid change (alanine 29 retained).
Molecular consequence: synonymous variant.
Genome position (GRCh38, 1-based): chr2:104,855,597, T>C. VCF-style: chr2-104855597-T-C. GRCh37 (hg19) VCF-style: chr2-105472055-T-C.
Identifiers: ClinVar variation 3056811 (VCV003056811.2), dbSNP rs186512421, ClinGen allele CA1812886.

ClinVar aggregate classification (germline): Likely benign (0 of 4 stars; one submission).

Conditions:
POU3F3-related disorder. Also called: POU3F3-related condition.

Allele frequency attached by ClinVar (database versions not stated): gnomAD 0.70268; ExAC 0.60075; 1000 Genomes Project 30x 0.69550.
gnomAD v4.1: 621,031 of 963,106 alleles (64%); highest among the groups gnomAD compares: East Asian, 91%; 198,956 homozygotes.

Submission:

PreventionGenetics, part of Exact Sciences
Classification: Likely benign for POU3F3-related condition. Last evaluated: 2021-04-23. Review status: no assertion criteria provided. Collection method: clinical testing. Allele origin: germline.
Comment: This variant is classified as likely benign based on ACMG/AMP sequence variant interpretation guidelines (Richards et al. 2015 PMID: 25741868, with internal and published modifications).